The following is an entry in ClinVar:

NM_004329.3(BMPR1A):c.457T>G (p.Trp153Gly)

Gene: BMPR1A (bone morphogenetic protein receptor type 1A; plus strand). Cytogenetic location: 10q23.2.
Variant type: single nucleotide variant.
Coding change: c.457T>G on transcript NM_004329.3 (MANE Select); coding-DNA position 457, T replaced by G.
Protein change: p.Trp153Gly; replaces tryptophan 153 with glycine.
Molecular consequence: missense variant.
Genome position (GRCh38, 1-based): chr10:86,900,053, T>G. VCF-style: chr10-86900053-T-G. GRCh37 (hg19) VCF-style: chr10-88659810-T-G.
Other names: c.457T>G (NM_004329.2); short protein forms W153G.
Identifiers: ClinVar variation 1370041 (VCV001370041.9), dbSNP rs2133456471, ClinGen allele CA377450247.

ClinVar aggregate classification (germline): Uncertain significance. Review status: criteria provided, multiple submitters, no conflicts (2 of 4 stars). 2 submissions from 2 submitters: Uncertain significance (2). Last evaluated 2025-03-07.

Conditions:
Hereditary cancer-predisposing syndrome. Also called: Hereditary neoplastic syndrome; Hereditary Cancer Syndrome; Neoplastic Syndromes, Hereditary; Tumor predisposition. Identifiers: Orphanet 140162, MedGen C0027672, MeSH D009386, MONDO:0015356.
Juvenile polyposis syndrome (JPS). Identifiers: Orphanet 2929, MedGen C0345893, MONDO:0017380, OMIM 174900.

Submissions (2):

Ambry Genetics
Classification: Uncertain significance for Hereditary cancer-predisposing syndrome. Last evaluated: 2025-03-07. Review status: criteria provided, single submitter. Criteria: Ambry Variant Classification Scheme 2023. Collection method: clinical testing. Allele origin: germline.
Comment: The p.W153G variant (also known as c.457T>G), located in coding exon 5 of the BMPR1A gene, results from a T to G substitution at nucleotide position 457. The tryptophan at codon 153 is replaced by glycine, an amino acid with highly dissimilar properties. This amino acid position is conserved. In addition, this alteration is predicted to be deleterious by in silico analysis. Based on the available evidence, the clinical significance of this variant remains unclear.

Labcorp Genetics (formerly Invitae), Labcorp
Classification: Uncertain significance for Juvenile polyposis syndrome. Last evaluated: 2021-07-26. Review status: criteria provided, single submitter. Criteria: Invitae Variant Classification Sherloc (09022015). Collection method: clinical testing. Allele origin: germline.
Comment: This sequence change replaces tryptophan with glycine at codon 153 of the BMPR1A protein (p.Trp153Gly). The tryptophan residue is moderately conserved and there is a large physicochemical difference between tryptophan and glycine. This variant is not present in population databases (ExAC no frequency). This variant has not been reported in the literature in individuals affected with BMPR1A-related conditions. Advanced modeling of protein sequence and biophysical properties (such as structural, functional, and spatial information, amino acid conservation, physicochemical variation, residue mobility, and thermodynamic stability) performed at Invitae indicates that this missense variant is not expected to disrupt BMPR1A protein function. In summary, the available evidence is currently insufficient to determine the role of this variant in disease. Therefore, it has been classified as a Variant of Uncertain Significance.